The following is an entry in ClinVar:

ClinVar aggregate classification (germline): Uncertain significance. Review status: criteria provided, multiple submitters, no conflicts (2 of 4 stars). 3 submissions from 3 submitters: Uncertain significance (3). Last evaluated 2025-06-19.

Conditions:
Charcot-Marie-Tooth disease. Also called: Charcot-Marie-Tooth Hereditary Neuropathy; Charcot-Marie-Tooth Neuropathy. Identifiers: Orphanet 166, MedGen C0007959, MONDO:0015626.
Inborn genetic diseases. Identifiers: MedGen C0950123, MeSH D030342.

Allele frequency attached by ClinVar (database versions not stated): TOPMed below 0.00001; gnomAD 0.00001.
gnomAD v4.1: 6 of 1,553,152 alleles (0.00039%); highest among the groups gnomAD compares: Admixed American, 0.0019%; no homozygotes.

Submissions (3):

Women's Health and Genetics/Laboratory Corporation of America, LabCorp
Classification: Uncertain significance. Last evaluated: 2025-06-19. Review status: criteria provided, single submitter. Criteria: LabCorp Variant Classification Summary - May 2015. Collection method: clinical testing. Allele origin: germline.
Comment: Variant summary: PRX c.182A>G (p.Glu61Gly) results in a non-conservative amino acid change in the encoded protein sequence. Algorithms developed to predict the effect of missense changes on protein structure and function are either unavailable or do not agree on the potential impact of this missense change. Several computational tools predict a significant impact on normal splicing: Three predict the variant weakens a 5' donor site. One predicts the variant no significant impact on splicing. However, these predictions have yet to be confirmed by functional studies. The variant was absent in 164816 control chromosomes. The available data on variant occurrences in the general population are insufficient to allow any conclusion about variant significance. c.182A>G has been observed in an unknown state in a cohort with Charcot-Marie-Tooth disease (example,Volodarsky_2021). These report(s) do not provide unequivocal conclusions about association of the variant with Charcot-Marie-Tooth disease type 4F. To our knowledge, no experimental evidence demonstrating an impact on protein function has been reported. The following publication has been ascertained in the context of this evaluation (PMID: 32376792). ClinVar contains an entry for this variant (Variation ID: 917171). Based on the evidence outlined above, the variant was classified as uncertain significance.

Ambry Genetics
Classification: Uncertain significance for Inborn genetic diseases. Last evaluated: 2019-10-28. Review status: criteria provided, single submitter. Criteria: Ambry Variant Classification Scheme 2023. Collection method: clinical testing. Allele origin: germline.
Comment: The p.E61G variant (also known as c.182A>G), located in coding exon 2 of the PRX gene, results from an A to G substitution at nucleotide position 182. The glutamic acid at codon 61 is replaced by glycine, an amino acid with similar properties. This amino acid position is well conserved in available vertebrate species. In addition, the in silico prediction for this alteration is inconclusive. Since supporting evidence is limited at this time, the clinical significance of this alteration remains unclear.

Molecular Genetics Laboratory, London Health Sciences Centre
Classification: Uncertain significance for Charcot-Marie-Tooth disease. Review status: criteria provided, single submitter. Criteria: ACMG Guidelines, 2015. Collection method: clinical testing. Allele origin: germline. Affected: yes.

Literature cited by the submitters: PubMed 32376792 (cited by Women's Health and Genetics/Laboratory Corporation of America, LabCorp).

NM_181882.3(PRX):c.182A>G (p.Glu61Gly)

Gene: PRX (periaxin; minus strand). Cytogenetic location: 19q13.2.
Variant type: single nucleotide variant.
Coding change: c.182A>G on transcript NM_181882.3 (MANE Select); coding-DNA position 182, A replaced by G.
Protein change: p.Glu61Gly; replaces glutamic acid 61 with glycine.
Molecular consequence: missense variant.
Genome position (GRCh38, 1-based): chr19:40,403,708, T>C on the plus strand (A>G on the coding strand, the complement: PRX is on the minus strand). VCF-style: chr19-40403708-T-C. GRCh37 (hg19) VCF-style: chr19-40909615-T-C.
Other names: c.182A>G (NM_181882.2); c.182A>G, p.Glu61Gly (NM_020956.2); short protein forms E61G.
Identifiers: ClinVar variation 917171 (VCV000917171.4), dbSNP rs779928693, ClinGen allele CA405901706.
Genomic context (GRCh38, chr19:40,403,708, plus strand): 5'-CAGATTCCTAACCCCGCCCCCGCAGTTCGACCCCGCCCCACACCCCGGGCCCGCCCACCT[T>C]CCTGCAGGCTGAGGCTCCTGGCGGCGGGTGAGTCCTCGCGCAGCTCCCGAACGAAGATTC-3'
Protein context (NP_870998.2, residues 51-71): SPAARSLSLQ[Glu61Gly]GDQLLSARVF